The following is an entry in ClinVar:

ClinVar aggregate classification (germline): Uncertain significance (1 of 4 stars; one submission).

Conditions:
Kabuki syndrome. Also called: NIIKAWA-KUROKI SYNDROME; Kabuki make-up syndrome. Identifiers: Orphanet 2322, MedGen C0796004, MONDO:0016512.

Allele frequency attached by ClinVar (database versions not stated): gnomAD exomes below 0.00001.
gnomAD v4.1: 1 of 1,603,148 alleles (0.000062%); highest among the groups gnomAD compares: Non-Finnish European, 0.000085%; no homozygotes.

Submission:

Labcorp Genetics (formerly Invitae), Labcorp
Classification: Uncertain significance for Kabuki syndrome. Last evaluated: 2025-06-02. Review status: criteria provided, single submitter. Criteria: Invitae Variant Classification Sherloc (09022015). Collection method: clinical testing. Allele origin: germline.
Comment: This sequence change replaces cysteine, which is neutral and slightly polar, with tyrosine, which is neutral and polar, at codon 3132 of the KMT2D protein (p.Cys3132Tyr). This variant is not present in population databases (gnomAD no frequency). This variant has not been reported in the literature in individuals affected with KMT2D-related conditions. ClinVar contains an entry for this variant (Variation ID: 2727446). Invitae Evidence Modeling of protein sequence and biophysical properties (such as structural, functional, and spatial information, amino acid conservation, physicochemical variation, residue mobility, and thermodynamic stability) indicates that this missense variant is not expected to disrupt KMT2D protein function with a negative predictive value of 95%. In summary, the available evidence is currently insufficient to determine the role of this variant in disease. Therefore, it has been classified as a Variant of Uncertain Significance.

NM_003482.4(KMT2D):c.9395G>A (p.Cys3132Tyr)

Gene: KMT2D (lysine methyltransferase 2D; minus strand). Cytogenetic location: 12q13.12.
Variant type: single nucleotide variant.
Coding change: c.9395G>A on transcript NM_003482.4 (MANE Select); coding-DNA position 9395, G replaced by A.
Protein change: p.Cys3132Tyr; replaces cysteine 3132 with tyrosine.
Molecular consequence: missense variant.
Genome position (GRCh38, 1-based): chr12:49,037,961, C>T on the plus strand (G>A on the coding strand, the complement: KMT2D is on the minus strand). VCF-style: chr12-49037961-C-T. GRCh37 (hg19) VCF-style: chr12-49431744-C-T.
Other names: short protein forms C3132Y.
Identifiers: ClinVar variation 2727446 (VCV002727446.3), dbSNP rs1393552802, ClinGen allele CA384738300.